The following is an entry in ClinVar:

NM_001127898.4(CLCN5):c.2236del (p.Thr746fs)

Genes: CLCN5 (Cl-/H+ antiporter 5; plus strand), LOC126863258 (BRD4-independent group 4 enhancer GRCh37_chrX:49854497-49855696; plus strand). Cytogenetic location: Xp11.23.
Variant type: Deletion.
Coding change: c.2236del on transcript NM_001127898.4 (MANE Select); coding-DNA position 2236, one base deleted (A; older notation c.2236delA).
Protein change: p.Thr746fs; shifts the reading frame from threonine 746.
Molecular consequence: frameshift variant.
Genome position (GRCh38, 1-based): chrX:50,090,762, A deleted. VCF-style (leftmost placement, unchanged base first): chrX-50090761-CA-C. GRCh37 (hg19) VCF-style: chrX-49855418-CA-C.
Other names: c.2026del, p.Thr676fs (NM_000084.5); c.2236del, p.Thr746fs (NM_001127899.4); c.2086del, p.Thr696fs (NM_001282163.2); c.2026_2026delA (NM_000084.5); short protein forms T676fs, T696fs, T746fs.
Identifiers: ClinVar variation 932946 (VCV000932946.3), dbSNP rs1934069016, ClinGen allele CA1139667546.

ClinVar aggregate classification (germline): Pathogenic. Review status: criteria provided, single submitter (1 of 4 stars). 2 submissions from 2 submitters: Pathogenic (1). 1 of the submissions does not count toward it. Last evaluated 2025-12-06.

Conditions:
Dent disease type 1 (DENT1). Also called: NEPHROLITHIASIS 2; NEPHROLITHIASIS, HYPERCALCIURIC, X-LINKED. Identifiers: Orphanet 1652, Orphanet 93622, MedGen C1848336, MONDO:0010225, OMIM 300009.

Submissions (2):

Labcorp Genetics (formerly Invitae), Labcorp
Classification: Pathogenic. Last evaluated: 2025-12-06. Review status: criteria provided, single submitter. Criteria: Invitae Variant Classification Sherloc (09022015). Collection method: clinical testing. Allele origin: germline.
Comment: This sequence change creates a premature translational stop signal (p.Thr676Leufs*2) in the CLCN5 gene. It is expected to result in an absent or disrupted protein product. Loss-of-function variants in CLCN5 are known to be pathogenic (PMID: 22876375, 25907713). This variant is not present in population databases (gnomAD no frequency). This premature translational stop signal has been observed in individual(s) with Dent disease (PMID: 38002082). ClinVar contains an entry for this variant (Variation ID: 932946). For these reasons, this variant has been classified as Pathogenic.

Felix Claverie-Martin Laboratory, Hospital Universitario Nuestra Senora de Candelaria
Classification: Pathogenic for Dent disease type 1. Review status: no assertion criteria provided. Collection method: case-control. Allele origin: maternal. Inheritance: X-linked recessive inheritance. Affected: yes. Not counted in ClinVar's aggregate classification.

Literature cited by the submitters: PubMed 22876375 (cited by Labcorp Genetics (formerly Invitae), Labcorp); PubMed 25907713 (cited by Labcorp Genetics (formerly Invitae), Labcorp); PubMed 38002082 (cited by Labcorp Genetics (formerly Invitae), Labcorp).